The following is an entry in ClinVar:

ClinVar aggregate classification (germline): Likely benign. Review status: criteria provided, single submitter (1 of 4 stars). 2 submissions from 2 submitters: Likely benign (1). 1 of the submissions does not count toward it. Last evaluated 2025-10-20.

Conditions:
PGAP3-related disorder. Also called: PGAP3-related condition.

Allele frequency attached by ClinVar (database versions not stated): 1000 Genomes Project 0.00020; 1000 Genomes Project 30x 0.00016; ExAC 0.00030.
gnomAD v4.1: 113 of 1,559,854 alleles (0.0072%); highest among the groups gnomAD compares: South Asian, 0.12%; 1 homozygote.

Submissions (2):

Labcorp Genetics (formerly Invitae), Labcorp
Classification: Likely benign. Last evaluated: 2025-10-20. Review status: criteria provided, single submitter. Criteria: Invitae Variant Classification Sherloc (09022015). Collection method: clinical testing. Allele origin: germline.

PreventionGenetics, part of Exact Sciences
Classification: Likely benign for PGAP3-related condition. Last evaluated: 2019-04-05. Review status: no assertion criteria provided. Collection method: clinical testing. Allele origin: germline. Not counted in ClinVar's aggregate classification.
Comment: This variant is classified as likely benign based on ACMG/AMP sequence variant interpretation guidelines (Richards et al. 2015 PMID: 25741868, with internal and published modifications).

NM_033419.5(PGAP3):c.705C>T (p.Asn235=)

Gene: PGAP3 (post-GPI attachment to proteins phospholipase 3; minus strand). Cytogenetic location: 17q12.
Variant type: single nucleotide variant.
Coding change: c.705C>T on transcript NM_033419.5 (MANE Select); coding-DNA position 705, C replaced by T.
Protein change: p.Asn235=; no amino-acid change (asparagine 235 retained).
Molecular consequence: synonymous variant. On other transcripts: intron variant (3).
Genome position (GRCh38, 1-based): chr17:39,673,245, G>A on the plus strand (C>T on the coding strand, the complement: PGAP3 is on the minus strand). VCF-style: chr17-39673245-G-A. GRCh37 (hg19) VCF-style: chr17-37829498-G-A.
Other names: c.552C>T, p.Asn184= (NM_001291726.2); c.642C>T, p.Asn214= (NM_001291728.2); c.433-379C>T (NM_001291733.2); c.495-379C>T (NM_001291732.2); c.558-379C>T (NM_001291730.2); c.705C>T (NM_033419.4).
Identifiers: ClinVar variation 3013221 (VCV003013221.5), dbSNP rs570023228, ClinGen allele CA8533254.